The following is an entry in ClinVar:

ClinVar aggregate classification (germline): Likely pathogenic (1 of 4 stars; one submission).

Conditions:
Developmental and epileptic encephalopathy, 34 (DEE34). Also called: Early infantile epileptic encephalopathy 34; SLC12A5-Related Epilepsy of Infancy with Migrating Focal Seizures. Identifiers: Orphanet 293181, MedGen C4225257, MONDO:0014718, OMIM 616645.

Submission:

Labcorp Genetics (formerly Invitae), Labcorp
Classification: Likely pathogenic for Developmental and epileptic encephalopathy, 34. Last evaluated: 2022-08-23. Review status: criteria provided, single submitter. Criteria: Invitae Variant Classification Sherloc (09022015). Collection method: clinical testing. Allele origin: germline.
Comment: This variant is not present in population databases (gnomAD no frequency). This sequence change affects an acceptor splice site in intron 1 of the SLC12A5 gene. It is expected to disrupt RNA splicing. Variants that disrupt the donor or acceptor splice site typically lead to a loss of protein function (PMID: 16199547), and loss-of-function variants in SLC12A5 are known to be pathogenic (PMID: 26333769, 27436767). This variant has not been reported in the literature in individuals affected with SLC12A5-related conditions. In summary, the currently available evidence indicates that the variant is pathogenic, but additional data are needed to prove that conclusively. Therefore, this variant has been classified as Likely Pathogenic. Algorithms developed to predict the effect of sequence changes on RNA splicing suggest that this variant may disrupt the consensus splice site. ClinVar contains an entry for this variant (Variation ID: 857040).

Literature cited by the submitters: PubMed 16199547; PubMed 26333769; PubMed 27436767.

NM_020708.5(SLC12A5):c.53-2A>G

Gene: SLC12A5 (solute carrier family 12 member 5; plus strand). Cytogenetic location: 20q13.12.
Variant type: single nucleotide variant.
Coding change: c.53-2A>G on transcript NM_020708.5 (MANE Select); the canonical splice acceptor site of the intron before coding-DNA position 53, A replaced by G.
Molecular consequence: splice acceptor variant.
Genome position (GRCh38, 1-based): chr20:46,034,946, A>G. VCF-style: chr20-46034946-A-G. GRCh37 (hg19) VCF-style: chr20-44663585-A-G.
Other names: c.122-2A>G (NM_001134771.2).
Identifiers: ClinVar variation 857040 (VCV000857040.8), dbSNP rs2084483775, ClinGen allele CA409186837.